The following is an entry in ClinVar:

ClinVar aggregate classification (germline): Conflicting classifications of pathogenicity. Review status: criteria provided, conflicting classifications (1 of 4 stars). 2 submissions from 2 submitters: Uncertain significance (1); Benign (1). Last evaluated 2026-02-16.

Conditions:
Ehlers-Danlos syndrome, classic type, 1 (EDSCL1). Also called: Ehlers-Danlos syndrome, type 1; EHLERS-DANLOS SYNDROME, GRAVIS TYPE; EHLERS-DANLOS SYNDROME, SEVERE CLASSIC TYPE; EDS I; Ehlers-Danlos Syndrome, Classic Type, COL5A1-Related. Identifiers: MedGen C0268335, MONDO:0019567, OMIM 130000.

Allele frequency attached by ClinVar (database versions not stated): gnomAD 0.00001; TOPMed 0.00002; gnomAD exomes below 0.00001.
gnomAD v4.1: 7 of 1,613,404 alleles (0.00043%); highest among the groups gnomAD compares: African/African-American, 0.0013%; no homozygotes.

Submissions (2):

Women's Health and Genetics/Laboratory Corporation of America, LabCorp
Classification: Uncertain significance. Last evaluated: 2026-02-16. Review status: criteria provided, single submitter. Criteria: LabCorp Variant Classification Summary - May 2015. Collection method: clinical testing. Allele origin: germline.
Comment: Variant summary: COL5A1 c.1978G>A (p.Asp660Asn) results in a conservative amino acid change in the encoded protein sequence. Algorithms developed to predict the effect of missense changes on protein structure and function are either unavailable or do not agree on the potential impact of this missense change. The variant allele was found at a frequency of 4e-06 in 250726 control chromosomes. The available data on variant occurrences in the general population are insufficient to allow any conclusion about variant significance. To our knowledge, no occurrence of c.1978G>A in individuals affected with COL5A1-related conditions and no experimental evidence demonstrating its impact on protein function have been reported. ClinVar contains an entry for this variant (Variation ID: 941964). Based on the evidence outlined above, the variant was classified as uncertain significance.

Labcorp Genetics (formerly Invitae), Labcorp
Classification: Benign for Ehlers-Danlos syndrome, classic type, 1. Last evaluated: 2025-06-24. Review status: criteria provided, single submitter. Criteria: Invitae Variant Classification Sherloc (09022015). Collection method: clinical testing. Allele origin: germline.

NM_000093.5(COL5A1):c.1978G>A (p.Asp660Asn)

Gene: COL5A1 (collagen type V alpha 1 chain; plus strand). Cytogenetic location: 9q34.3.
Variant type: single nucleotide variant.
Coding change: c.1978G>A on transcript NM_000093.5 (MANE Select); coding-DNA position 1978, G replaced by A.
Protein change: p.Asp660Asn; replaces aspartic acid 660 with asparagine.
Molecular consequence: missense variant.
Genome position (GRCh38, 1-based): chr9:134,761,967, G>A. VCF-style: chr9-134761967-G-A. GRCh37 (hg19) VCF-style: chr9-137653813-G-A.
Other names: c.1978G>A, p.Asp660Asn (NM_001278074.1); short protein forms D660N.
Identifiers: ClinVar variation 941964 (VCV000941964.12), dbSNP rs990265730, ClinGen allele CA201093733.
Genomic context (GRCh38, chr9:134,761,967, plus strand): 5'-GACCCTTTCACTTCCTAGGGTGACCCTGGTCCTTCCGGCCCACCAGGACCTCCGGGAGAC[G>A]ATGGAGAAAGGGTAGGTATTCTGCCGTCCCTCCGACTGCTCCTGCCTGCCCTACTCCTCA-3'
Protein context (NP_000084.3, residues 650-670): PSGPPGPPGD[Asp660Asn]GERGDDGEVG